The following is an entry in ClinVar:

NM_000018.4(ACADVL):c.1253G>C (p.Ser418Thr)

Gene: ACADVL (acyl-CoA dehydrogenase very long chain; plus strand). Cytogenetic location: 17p13.1.
Variant type: single nucleotide variant.
Coding change: c.1253G>C on transcript NM_000018.4 (MANE Select); coding-DNA position 1253, G replaced by C.
Protein change: p.Ser418Thr; replaces serine 418 with threonine.
Molecular consequence: missense variant.
Genome position (GRCh38, 1-based): chr17:7,223,714, G>C. VCF-style: chr17-7223714-G-C. GRCh37 (hg19) VCF-style: chr17-7127033-G-C.
Other names: c.1187G>C, p.Ser396Thr (NM_001033859.3); c.1322G>C, p.Ser441Thr (NM_001270447.2); c.1025G>C, p.Ser342Thr (NM_001270448.2); short protein forms S441T, S418T, S342T, S396T.
Identifiers: ClinVar variation 3665270 (VCV003665270.2).

ClinVar aggregate classification (germline): Uncertain significance (1 of 4 stars; one submission).

Conditions:
Very long chain acyl-CoA dehydrogenase deficiency (ACADVLD). Also called: Very Long-Chain Acyl-Coenzyme A Dehydrogenase Deficiency; VLCAD Deficiency. Identifiers: Orphanet 26793, MedGen C3887523, MONDO:0008723, OMIM 201475.

Submission:

Labcorp Genetics (formerly Invitae), Labcorp
Classification: Uncertain significance for Very long chain acyl-CoA dehydrogenase deficiency. Last evaluated: 2024-12-26. Review status: criteria provided, single submitter. Criteria: Invitae Variant Classification Sherloc (09022015). Collection method: clinical testing. Allele origin: germline.
Comment: This sequence change replaces serine, which is neutral and polar, with threonine, which is neutral and polar, at codon 418 of the ACADVL protein (p.Ser418Thr). This variant is not present in population databases (gnomAD no frequency). This variant has not been reported in the literature in individuals affected with ACADVL-related conditions. Invitae Evidence Modeling of protein sequence and biophysical properties (such as structural, functional, and spatial information, amino acid conservation, physicochemical variation, residue mobility, and thermodynamic stability) indicates that this missense variant is not expected to disrupt ACADVL protein function with a negative predictive value of 80%. This variant disrupts the p.Ser418 amino acid residue in ACADVL. Other variant(s) that disrupt this residue have been determined to be pathogenic (PMID: 30194637; internal data). This suggests that this residue is clinically significant, and that variants that disrupt this residue are likely to be disease-causing. In summary, the available evidence is currently insufficient to determine the role of this variant in disease. Therefore, it has been classified as a Variant of Uncertain Significance.

Literature cited by the submitters: PubMed 30194637.